The following is an entry in ClinVar:

ClinVar aggregate classification (germline): Likely pathogenic (1 of 4 stars; one submission).

Conditions:
Primary ciliary dyskinesia. Also called: Ciliary dyskinesia. Identifiers: Orphanet 244, MedGen C0008780, MONDO:0016575, HP:0012265.

Allele frequency attached by ClinVar (database versions not stated): gnomAD exomes 0.00001.

Submission:

Molecular Genetics, Royal Melbourne Hospital
Classification: Likely pathogenic for Primary ciliary dyskinesia. Last evaluated: 2024-02-05. Review status: criteria provided, single submitter. Criteria: ACMG Guidelines, 2015. Collection method: clinical testing. Allele origin: germline. Inheritance: Autosomal recessive inheritance. Affected: yes.
Comment: This sequence change in DNAH11 is a frameshift variant predicted to cause a premature stop codon, p.(His1716Serfs*15), in biologically relevant exon 30/82 leading to nonsense-mediated decay in a gene in which loss-of-function is an established disease mechanism. The highest population minor allele frequency in the population database gnomAD v4.0 is 0.002% (18/1,107,420 alleles) in the European (non-Finnish) population, which is consistent with recessive disease. To our knowledge, this variant has not been previously reported in the relevant scientific literature or databases. Based on the classification scheme RMH Modified ACMG/AMP Guidelines v1.6.1, this variant is classified as LIKELY PATHOGENIC. Following criteria are met: PVS1, PM2_Supporting.

NM_001277115.2(DNAH11):c.5145dup (p.His1716fs)

Gene: DNAH11 (dynein axonemal heavy chain 11; plus strand). Cytogenetic location: 7p15.3.
Variant type: Duplication.
Coding change: c.5145dup on transcript NM_001277115.2 (MANE Select); coding-DNA position 5145, one base duplicated (T; older notation c.5145dupT).
Protein change: p.His1716fs; shifts the reading frame from histidine 1716.
Molecular consequence: frameshift variant.
Genome position (GRCh38, 1-based): chr7:21,658,848, T duplicated. VCF-style (leftmost placement, unchanged base first): chr7-21658847-G-GT. GRCh37 (hg19) VCF-style: chr7-21698465-G-GT.
Other names: c.5160dup, p.His1721Serfs (NM_003777.3); c.5145dupT (NM_001277115.2); short protein forms H1716fs.
Identifiers: ClinVar variation 3068544 (VCV003068544.1), dbSNP rs2534838919, ClinGen allele CA2681982553.